The following is an entry in ClinVar:

ClinVar aggregate classification (germline): Uncertain significance. Review status: criteria provided, multiple submitters, no conflicts (2 of 4 stars). 3 submissions from 3 submitters: Uncertain significance (3). Last evaluated 2025-07-09.

Conditions:
Hereditary cancer-predisposing syndrome. Also called: Neoplastic Syndromes, Hereditary; Tumor predisposition; Hereditary neoplastic syndrome; Hereditary Cancer Syndrome. Identifiers: Orphanet 140162, MedGen C0027672, MeSH D009386, MONDO:0015356.
Ataxia-telangiectasia syndrome (AT). Also called: Ataxia-telangiectasia; LOUIS-BAR SYNDROME; Ataxia telangiectasia (A-T); Cerebello-oculocutaneous telangiectasia; Immunodeficiency with ataxia telangiectasia; Ataxia-telangiectasia, complementation group D. Identifiers: Orphanet 100, MedGen C0004135, MONDO:0008840, OMIM 208900.

Allele frequency attached by ClinVar (database versions not stated): gnomAD exomes below 0.00001; TOPMed below 0.00001.
gnomAD v4.1: 2 of 1,601,360 alleles (0.00012%); highest among the groups gnomAD compares: South Asian, 0.0011%; no homozygotes.

Submissions (3):

Labcorp Genetics (formerly Invitae), Labcorp
Classification: Uncertain significance for Ataxia-telangiectasia syndrome. Last evaluated: 2025-07-09. Review status: criteria provided, single submitter. Criteria: Invitae Variant Classification Sherloc (09022015). Collection method: clinical testing. Allele origin: germline.
Comment: This sequence change replaces aspartic acid, which is acidic and polar, with tyrosine, which is neutral and polar, at codon 1413 of the ATM protein (p.Asp1413Tyr). This variant is not present in population databases (gnomAD no frequency). This variant has not been reported in the literature in individuals affected with ATM-related conditions. ClinVar contains an entry for this variant (Variation ID: 481170). An algorithm developed to predict the effect of missense changes on protein structure and function (PolyPhen-2) suggests that this variant is likely to be disruptive. In summary, the available evidence is currently insufficient to determine the role of this variant in disease. Therefore, it has been classified as a Variant of Uncertain Significance.

GeneDx
Classification: Uncertain significance. Last evaluated: 2023-10-18. Review status: criteria provided, single submitter. Criteria: GeneDx Variant Classification Process June 2021. Collection method: clinical testing. Allele origin: germline.
Comment: Has not been previously published as pathogenic or benign to our knowledge; Not observed at significant frequency in large population cohorts (gnomAD); In silico analysis supports that this missense variant has a deleterious effect on protein structure/function

Ambry Genetics
Classification: Uncertain significance for Hereditary cancer-predisposing syndrome. Last evaluated: 2020-06-09. Review status: criteria provided, single submitter. Criteria: Ambry Variant Classification Scheme 2023. Collection method: clinical testing. Allele origin: germline.
Comment: The p.D1413Y variant (also known as c.4237G>T) is located in coding exon 28 of the ATM gene. The aspartic acid at codon 1413 is replaced by tyrosine, an amino acid with highly dissimilar properties. This change occurs in the first base pair of coding exon 28. This amino acid position is well conserved in available vertebrate species. In addition, the in silico prediction for this alteration is inconclusive. Since supporting evidence is limited at this time, the clinical significance of this alteration remains unclear.

NM_000051.4(ATM):c.4237G>T (p.Asp1413Tyr)

Gene: ATM (ATM serine/threonine kinase; plus strand). Cytogenetic location: 11q22.3.
Variant type: single nucleotide variant.
Coding change: c.4237G>T on transcript NM_000051.4 (MANE Select); coding-DNA position 4237, G replaced by T.
Protein change: p.Asp1413Tyr; replaces aspartic acid 1413 with tyrosine.
Molecular consequence: missense variant.
Genome position (GRCh38, 1-based): chr11:108,289,602, G>T. VCF-style: chr11-108289602-G-T. GRCh37 (hg19) VCF-style: chr11-108160329-G-T.
Other names: c.4237G>T, p.Asp1413Tyr (NM_001351834.2); short protein forms D1413Y.
Identifiers: ClinVar variation 481170 (VCV000481170.11), dbSNP rs1337392659, ClinGen allele CA382530923.